The following is an entry in ClinVar:

ClinVar aggregate classification (germline): Uncertain significance. Review status: criteria provided, multiple submitters, no conflicts (2 of 4 stars). 2 submissions from 2 submitters: Uncertain significance (2). Last evaluated 2024-06-02.

Conditions:
Vici syndrome (VICIS). Identifiers: Orphanet 1493, MedGen C1855772, MONDO:0009452, OMIM 242840.
Inborn genetic diseases. Identifiers: MedGen C0950123, MeSH D030342.

Allele frequency attached by ClinVar (database versions not stated): gnomAD 0.00001; TOPMed 0.00001; gnomAD exomes 0.00002 and 0.00003; ExAC 0.00003; 1000 Genomes Project 30x 0.00016; 1000 Genomes Project 0.00020.
gnomAD v4.1: 25 of 1,614,138 alleles (0.0015%); highest among the groups gnomAD compares: Admixed American, 0.012%; no homozygotes.

Submissions (2):

Labcorp Genetics (formerly Invitae), Labcorp
Classification: Uncertain significance for Vici syndrome. Last evaluated: 2024-06-02. Review status: criteria provided, single submitter. Criteria: Invitae Variant Classification Sherloc (09022015). Collection method: clinical testing. Allele origin: germline.
Comment: This sequence change replaces valine, which is neutral and non-polar, with glycine, which is neutral and non-polar, at codon 2100 of the EPG5 protein (p.Val2100Gly). This variant is present in population databases (rs201980410, gnomAD 0.02%). This variant has not been reported in the literature in individuals affected with EPG5-related conditions. ClinVar contains an entry for this variant (Variation ID: 1005667). Advanced modeling of protein sequence and biophysical properties (such as structural, functional, and spatial information, amino acid conservation, physicochemical variation, residue mobility, and thermodynamic stability) performed at Invitae indicates that this missense variant is expected to disrupt EPG5 protein function with a positive predictive value of 80%. In summary, the available evidence is currently insufficient to determine the role of this variant in disease. Therefore, it has been classified as a Variant of Uncertain Significance.

Ambry Genetics
Classification: Uncertain significance for Inborn genetic diseases. Last evaluated: 2023-12-06. Review status: criteria provided, single submitter. Criteria: Ambry Variant Classification Scheme 2023. Collection method: clinical testing. Allele origin: germline.

NM_020964.3(EPG5):c.6299T>G (p.Val2100Gly)

Gene: EPG5 (ectopic P-granules 5 autophagy tethering factor; minus strand). Cytogenetic location: 18q12.3.
Variant type: single nucleotide variant.
Coding change: c.6299T>G on transcript NM_020964.3 (MANE Select); coding-DNA position 6299, T replaced by G.
Protein change: p.Val2100Gly; replaces valine 2100 with glycine.
Molecular consequence: missense variant.
Genome position (GRCh38, 1-based): chr18:45,867,675, A>C on the plus strand (T>G on the coding strand, the complement: EPG5 is on the minus strand). VCF-style: chr18-45867675-A-C. GRCh37 (hg19) VCF-style: chr18-43447640-A-C.
Other names: c.6299T>G (NM_020964.2); short protein forms V2100G.
Identifiers: ClinVar variation 1005667 (VCV001005667.10), dbSNP rs201980410, ClinGen allele CA8948308.